The following is an entry in ClinVar:

ClinVar aggregate classification (germline): Pathogenic (1 of 4 stars; one submission).

Submission:

Labcorp Genetics (formerly Invitae), Labcorp
Classification: Pathogenic. Last evaluated: 2023-08-23. Review status: criteria provided, single submitter. Criteria: Invitae Variant Classification Sherloc (09022015). Collection method: clinical testing. Allele origin: germline.
Comment: For these reasons, this variant has been classified as Pathogenic. Algorithms developed to predict the effect of sequence changes on RNA splicing suggest that this variant may disrupt the consensus splice site. This variant has not been reported in the literature in individuals affected with ADGRV1-related conditions. This variant is not present in population databases (gnomAD no frequency). This sequence change creates a premature translational stop signal (p.Asp3071Alafs*16) in the ADGRV1 gene. It is expected to result in an absent or disrupted protein product. Loss-of-function variants in ADGRV1 are known to be pathogenic (PMID: 19357117, 22135276, 22147658, 26226137, 30718709, 31047384, 32467589).

Literature cited by the submitters: PubMed 19357117; PubMed 22135276; PubMed 22147658; PubMed 26226137; PubMed 30718709; PubMed 31047384; PubMed 32467589.

NM_032119.4(ADGRV1):c.9212del (p.Asp3071fs)

Gene: ADGRV1 (adhesion G protein-coupled receptor V1; plus strand). Cytogenetic location: 5q14.3.
Variant type: Deletion.
Coding change: c.9212del on transcript NM_032119.4 (MANE Select); coding-DNA position 9212, one base deleted (A; older notation c.9212delA).
Protein change: p.Asp3071fs; shifts the reading frame from aspartic acid 3071.
Molecular consequence: frameshift variant. On other transcripts: non-coding transcript variant (1).
Genome position (GRCh38, 1-based): chr5:90,716,494, A deleted. VCF-style (leftmost placement, unchanged base first): chr5-90716493-GA-G. GRCh37 (hg19) VCF-style: chr5-90012310-GA-G.
Other names: short protein forms D3071fs.
Identifiers: ClinVar variation 2816129 (VCV002816129.3), dbSNP rs2531209106, ClinGen allele CA2739274888.